The following is an entry in ClinVar:

NM_005902.4(SMAD3):c.457C>T (p.Leu153=)

Gene: SMAD3 (SMAD family member 3; plus strand). Cytogenetic location: 15q22.33.
Variant type: single nucleotide variant.
Coding change: c.457C>T on transcript NM_005902.4 (MANE Select); coding-DNA position 457, C replaced by T.
Protein change: p.Leu153=; no amino-acid change (leucine 153 retained).
Molecular consequence: synonymous variant.
Genome position (GRCh38, 1-based): chr15:67,165,309, C>T. VCF-style: chr15-67165309-C-T. GRCh37 (hg19) VCF-style: chr15-67457647-C-T.
Other names: p.L153L:CTG>TTG; p.Leu153=; c.142C>T, p.Leu48= (NM_001145102.2); c.325C>T, p.Leu109= (NM_001145103.2).
Identifiers: ClinVar variation 213758 (VCV000213758.54), dbSNP rs145380987, ClinGen allele CA062263.

ClinVar aggregate classification (germline): Benign/Likely benign. Review status: criteria provided, multiple submitters, no conflicts (2 of 4 stars). 12 submissions from 12 submitters: Benign (2); Likely benign (8). 2 of the submissions do not count toward it. Last evaluated 2025-12-01.

Conditions:
SMAD3-related disorder. Also called: SMAD3-related condition.
Familial thoracic aortic aneurysm and aortic dissection (TAAD). Also called: Thoracic aortic aneurysms and dissections. Identifiers: Orphanet 91387, MedGen C4707243, MONDO:0019625.
Aneurysm-osteoarthritis syndrome. Also called: SMAD3-Related Loeys-Dietz Syndrome; Loeys-Dietz syndrome, type 1C; ANEURYSMS-OSTEOARTHRITIS SYNDROME; LOEYS-DIETZ SYNDROME WITH OSTEOARTHRITIS. Identifiers: Orphanet 284984, MedGen C3151087, MONDO:0013426, OMIM 613795.

Allele frequency attached by ClinVar (database versions not stated): ESP Exome Variant Server 0.00008; gnomAD 0.00010 and 0.00011; TOPMed 0.00010; gnomAD exomes 0.00016 and 0.00024; ExAC 0.00028.
gnomAD v4.1: 247 of 1,614,240 alleles (0.015%); highest among the groups gnomAD compares: Middle Eastern, 0.13%; no homozygotes.

Submissions (12):

Labcorp Genetics (formerly Invitae), Labcorp
Classification: Likely benign for Familial thoracic aortic aneurysm and aortic dissection. Last evaluated: 2025-12-01. Review status: criteria provided, single submitter. Criteria: Invitae Variant Classification Sherloc (09022015). Collection method: clinical testing. Allele origin: germline.

PreventionGenetics, part of Exact Sciences
Classification: Likely benign for SMAD3-related condition. Last evaluated: 2024-12-04. Review status: criteria provided, single submitter. Criteria: ACMG Guidelines, 2015. Collection method: clinical testing. Allele origin: germline.
Comment: This variant is classified as likely benign based on ACMG/AMP sequence variant interpretation guidelines (Richards et al. 2015 PMID: 25741868, with internal and published modifications).

Blueprint Genetics
Classification: Likely benign. Last evaluated: 2024-09-25. Review status: criteria provided, single submitter. Criteria: ACMG Guidelines, 2015. Collection method: clinical testing. Allele origin: germline.

Mayo Clinic Laboratories, Mayo Clinic
Classification: Likely benign. Last evaluated: 2024-08-07. Review status: criteria provided, single submitter. Criteria: ACMG Guidelines, 2015. Collection method: clinical testing. Allele origin: germline. Observed: 2 variant alleles.
Comment: BP4, BP7

All of Us Research Program, National Institutes of Health
Classification: Likely benign for Aneurysm-osteoarthritis syndrome. Last evaluated: 2023-12-18. Review status: criteria provided, single submitter. Criteria: ACMG Guidelines, 2015. Collection method: clinical testing. Allele origin: germline. Inheritance: Autosomal dominant inheritance. Observed: 39 variant alleles, 39 heterozygotes.
Comment: This study involves interpretation of variants in research participants for the purpose of population health screening. Participant phenotype was not available at the time of variant classification. Additional details can be found in publication PMID: 35346344, PMCID: PMC8962531

CeGaT Center for Human Genetics Tuebingen
Classification: Likely benign. Last evaluated: 2023-12-01. Review status: criteria provided, single submitter. Criteria: CeGaT Center For Human Genetics Tuebingen Variant Classification Criteria Version 2. Collection method: clinical testing. Allele origin: germline. Affected: yes. Observed: 5 variant alleles.
Comment: SMAD3: BP4, BP7

Ambry Genetics
Classification: Likely benign for Familial thoracic aortic aneurysm and aortic dissection. Last evaluated: 2022-08-20. Review status: criteria provided, single submitter. Criteria: Ambry Variant Classification Scheme 2023. Collection method: clinical testing. Allele origin: germline.

Women's Health and Genetics/Laboratory Corporation of America, LabCorp
Classification: Benign. Last evaluated: 2020-11-02. Review status: criteria provided, single submitter. Criteria: LabCorp Variant Classification Summary - May 2015. Collection method: clinical testing. Allele origin: germline.

Color Diagnostics, LLC DBA Color Health
Classification: Likely benign for Familial thoracic aortic aneurysm and aortic dissection. Last evaluated: 2018-04-07. Review status: criteria provided, single submitter. Criteria: ACMG Guidelines, 2015. Collection method: clinical testing. Allele origin: germline.

GeneDx
Classification: Benign. Last evaluated: 2015-07-13. Review status: criteria provided, single submitter. Criteria: GeneDx Variant Classification (06012015). Collection method: clinical testing. Allele origin: germline. Affected: yes.
Comment: This variant is considered likely benign or benign based on one or more of the following criteria: it is a conservative change, it occurs at a poorly conserved position in the protein, it is predicted to be benign by multiple in silico algorithms, and/or has population frequency not consistent with disease.

Clinical Genetics DNA and cytogenetics Diagnostics Lab, Erasmus MC, Erasmus Medical Center
Classification: Likely benign. Review status: no assertion criteria provided. Collection method: clinical testing. Allele origin: germline. Affected: yes. Study: VKGL Data-share Consensus. Not counted in ClinVar's aggregate classification.

Joint Genome Diagnostic Labs from Nijmegen and Maastricht, Radboudumc and MUMC+
Classification: Likely benign. Review status: no assertion criteria provided. Collection method: clinical testing. Allele origin: germline. Affected: yes. Study: VKGL Data-share Consensus. Not counted in ClinVar's aggregate classification.